The following is an entry in ClinVar:

ClinVar aggregate classification (germline): Pathogenic/Likely pathogenic. Review status: criteria provided, multiple submitters, no conflicts (2 of 4 stars). 4 submissions from 4 submitters: Pathogenic (1); Likely pathogenic (1). 2 of the submissions do not count toward it. Last evaluated 2023-05-15.

Conditions:
Palmoplantar keratoderma, epidermolytic, 2 (EPPK2). Also called: KERATOSIS OF GREITHER; GREITHER SYNDROME. Identifiers: MedGen C2936837, MONDO:0957303, OMIM 620411.
Ichthyosis, annular epidermolytic, 2 (AEI2). Identifiers: MedGen C5774264, MONDO:0859574, OMIM 620148.

Submissions (4):

Labcorp Genetics (formerly Invitae), Labcorp
Classification: Pathogenic. Last evaluated: 2023-05-15. Review status: criteria provided, single submitter. Criteria: Invitae Variant Classification Sherloc (09022015). Collection method: clinical testing. Allele origin: germline.
Comment: For these reasons, this variant has been classified as Pathogenic. Advanced modeling of protein sequence and biophysical properties (such as structural, functional, and spatial information, amino acid conservation, physicochemical variation, residue mobility, and thermodynamic stability) performed at Invitae indicates that this missense variant is expected to disrupt KRT1 protein function. ClinVar contains an entry for this variant (Variation ID: 66650). This missense change has been observed in individuals with KRT1-related conditions (PMID: 16227096, 33081034; Invitae). This variant is not present in population databases (gnomAD no frequency). This sequence change replaces asparagine, which is neutral and polar, with serine, which is neutral and polar, at codon 188 of the KRT1 protein (p.Asn188Ser).

Neuberg Centre For Genomic Medicine, NCGM
Classification: Likely pathogenic for Ichthyosis, annular epidermolytic, 2. Last evaluated: 2023-02-14. Review status: criteria provided, single submitter. Criteria: ACMG Guidelines, 2015. Collection method: clinical testing. Allele origin: germline. Inheritance: Autosomal dominant inheritance. Affected: yes.
Comment: The missense c.563A>G(p.Asn188Ser) variant in KRT1 gene has been reported previously in heterozygous state in multiple individuals affected with epidermolytic ichthyosis (Kogut I, et. al., 2018; Hotz A, et. al., 2016; Arin MJ, et. al., 2011). The p.Asn188Ser variant is novel (not in any individuals) in gnomAD Exomes and 1000 Genomes. This variant has not been reported to the ClinVar database. Different missense change [c.564C>G (p.Asn188Lys)] at the same codon has been reported to be Pathogenic (Chia SY, et. al., 2021). The amino acid change p.Asn188Ser in KRT1 is predicted as conserved by GERP++ and PhyloP across 100 vertebrates. The amino acid Asn at position 188 is changed to a Ser changing protein sequence and it might alter its composition and physico-chemical properties. Additional functional studies will be required to prove the pathogenicity of this variant. For these reasons, this variant has been classified as Likely Pathogenic.

OMIM
Classification: Pathogenic for PALMOPLANTAR KERATODERMA, EPIDERMOLYTIC, 2. Last evaluated: 2024-02-02. Review status: no assertion criteria provided. Collection method: literature only. Allele origin: germline. Not counted in ClinVar's aggregate classification.

Epithelial Biology;  Institute of Medical Biology, Singapore
No classification provided. Review status: no classification provided. Collection method: not provided. Allele origin: not provided. Not counted in ClinVar's aggregate classification.

Literature cited by the submitters: PubMed 16227096 (cited by Labcorp Genetics (formerly Invitae), Labcorp and OMIM); PubMed 33081034 (cited by Labcorp Genetics (formerly Invitae), Labcorp).

NM_006121.4(KRT1):c.563A>G (p.Asn188Ser)

Gene: KRT1 (keratin 1; minus strand). Cytogenetic location: 12q13.13.
Variant type: single nucleotide variant.
Coding change: c.563A>G on transcript NM_006121.4 (MANE Select); coding-DNA position 563, A replaced by G.
Protein change: p.Asn188Ser; replaces asparagine 188 with serine.
Molecular consequence: missense variant.
Genome position (GRCh38, 1-based): chr12:52,679,786, T>C on the plus strand (A>G on the coding strand, the complement: KRT1 is on the minus strand). VCF-style: chr12-52679786-T-C. GRCh37 (hg19) VCF-style: chr12-53073570-T-C.
Other names: short protein forms N188S.
Identifiers: ClinVar variation 66650 (VCV000066650.6), dbSNP rs58928370, ClinGen allele CA217457.